The following is an entry in ClinVar:

NM_000494.4(COL17A1):c.3509-1G>C

Gene: COL17A1 (collagen type XVII alpha 1 chain; minus strand). Cytogenetic location: 10q25.1.
Variant type: single nucleotide variant.
Coding change: c.3509-1G>C on transcript NM_000494.4 (MANE Select); the canonical splice acceptor site of the intron before coding-DNA position 3509, G replaced by C.
Molecular consequence: splice acceptor variant.
Genome position (GRCh38, 1-based): chr10:104,035,374, C>G on the plus strand (G>C on the coding strand, the complement: COL17A1 is on the minus strand). VCF-style: chr10-104035374-C-G. GRCh37 (hg19) VCF-style: chr10-105795132-C-G.
Identifiers: ClinVar variation 2822120 (VCV002822120.3), dbSNP rs2493277968, ClinGen allele CA378066423.

ClinVar aggregate classification (germline): Likely pathogenic (1 of 4 stars; one submission).

Submission:

Labcorp Genetics (formerly Invitae), Labcorp
Classification: Likely pathogenic. Last evaluated: 2022-12-25. Review status: criteria provided, single submitter. Criteria: Invitae Variant Classification Sherloc (09022015). Collection method: clinical testing. Allele origin: germline.
Comment: Algorithms developed to predict the effect of sequence changes on RNA splicing suggest that this variant may disrupt the consensus splice site. In summary, the currently available evidence indicates that the variant is pathogenic, but additional data are needed to prove that conclusively. Therefore, this variant has been classified as Likely Pathogenic. This variant has not been reported in the literature in individuals affected with COL17A1-related conditions. This variant is not present in population databases (gnomAD no frequency). This sequence change affects an acceptor splice site in intron 49 of the COL17A1 gene. It is expected to disrupt RNA splicing. Variants that disrupt the donor or acceptor splice site typically lead to a loss of protein function (PMID: 16199547), and loss-of-function variants in COL17A1 are known to be pathogenic (PMID: 16473856, 17344927, 20301304, 21357940, 24319098).

Literature cited by the submitters: PubMed 16199547; PubMed 16473856; PubMed 17344927; PubMed 20301304; PubMed 21357940; PubMed 24319098.